The following is an entry in ClinVar:

ClinVar aggregate classification (germline): Uncertain significance. Review status: criteria provided, multiple submitters, no conflicts (2 of 4 stars). 2 submissions from 2 submitters: Uncertain significance (2). Last evaluated 2025-12-18.

Conditions:
Inborn genetic diseases. Identifiers: MedGen C0950123, MeSH D030342.

gnomAD v4.1: 63 of 1,611,272 alleles (0.0039%); highest among the groups gnomAD compares: African/African-American, 0.069%; no homozygotes.

Submissions (2):

Labcorp Genetics (formerly Invitae), Labcorp
Classification: Uncertain significance. Last evaluated: 2025-12-18. Review status: criteria provided, single submitter. Criteria: Invitae Variant Classification Sherloc (09022015). Collection method: clinical testing. Allele origin: germline.
Comment: This sequence change replaces phenylalanine, which is neutral and non-polar, with leucine, which is neutral and non-polar, at codon 275 of the COMP protein (p.Phe275Leu). This variant is present in population databases (rs138296278, gnomAD 0.07%), and has an allele count higher than expected for a pathogenic variant. This variant has not been reported in the literature in individuals affected with COMP-related conditions. ClinVar contains an entry for this variant (Variation ID: 3707427). Invitae Evidence Modeling of protein sequence and biophysical properties (such as structural, functional, and spatial information, amino acid conservation, physicochemical variation, residue mobility, and thermodynamic stability) indicates that this missense variant is not expected to disrupt COMP protein function with a negative predictive value of 80%. In summary, the available evidence is currently insufficient to determine the role of this variant in disease. Therefore, it has been classified as a Variant of Uncertain Significance.

Ambry Genetics
Classification: Uncertain significance for Inborn genetic diseases. Last evaluated: 2025-08-03. Review status: criteria provided, single submitter. Criteria: Ambry Variant Classification Scheme 2023. Collection method: clinical testing. Allele origin: germline.

NM_000095.3(COMP):c.825C>A (p.Phe275Leu)

Gene: COMP (cartilage oligomeric matrix protein; minus strand). Cytogenetic location: 19p13.11.
Variant type: single nucleotide variant.
Coding change: c.825C>A on transcript NM_000095.3 (MANE Select); coding-DNA position 825, C replaced by A.
Protein change: p.Phe275Leu; replaces phenylalanine 275 with leucine.
Molecular consequence: missense variant.
Genome position (GRCh38, 1-based): chr19:18,788,452, G>T on the plus strand (C>A on the coding strand, the complement: COMP is on the minus strand). VCF-style: chr19-18788452-G-T. GRCh37 (hg19) VCF-style: chr19-18899261-G-T.
Other names: c.825C>A (NM_000095.2); short protein forms F275L.
Identifiers: ClinVar variation 3707427 (VCV003707427.3).
Genomic context (GRCh38, chr19:18,788,452, plus strand): 5'-CGCTCCGCCCCCACCCACCTTACGGCACTGGCGCTCCGGGCAGCGCAGCTTCTCGTCCGG[G>T]AAGCCGTCTAGGTCAGTGTCGCGACCACAGAGGATCCCGTTGCCGGCCCAGCCAACGGCA-3'
Protein context (NP_000086.2, residues 265-285): LCGRDTDLDG[Phe275Leu]PDEKLRCPER